The following is an entry in ClinVar:

NM_005159.5(ACTC1):c.840T>C (p.Thr280=)

Genes: ACTC1 (actin alpha cardiac muscle 1; minus strand), GJD2-DT (GJD2 divergent transcript; plus strand). Cytogenetic location: 15q14.
Variant type: single nucleotide variant.
Coding change: c.840T>C on transcript NM_005159.5 (MANE Select); coding-DNA position 840, T replaced by C.
Protein change: p.Thr280=; no amino-acid change (threonine 280 retained).
Molecular consequence: synonymous variant.
Genome position (GRCh38, 1-based): chr15:34,791,264, A>G on the plus strand (T>C on the coding strand, the complement: ACTC1 is on the minus strand). VCF-style: chr15-34791264-A-G. GRCh37 (hg19) VCF-style: chr15-35083465-A-G.
Other names: c.840T>C (LRG_388t1).
Identifiers: ClinVar variation 385329 (VCV000385329.1), dbSNP rs1057522193, ClinGen allele CA16606922.

ClinVar aggregate classification (germline): Likely benign (1 of 4 stars; one submission).

Allele frequency attached by ClinVar (database versions not stated): TOPMed below 0.00001.

Submission:

GeneDx
Classification: Likely benign. Last evaluated: 2016-04-06. Review status: criteria provided, single submitter. Criteria: GeneDx Variant Classification (06012015). Collection method: clinical testing. Allele origin: germline. Affected: yes.
Comment: This variant is considered likely benign or benign based on one or more of the following criteria: it is a conservative change, it occurs at a poorly conserved position in the protein, it is predicted to be benign by multiple in silico algorithms, and/or has population frequency not consistent with disease.